The following is an entry in ClinVar:

ClinVar aggregate classification (germline): Uncertain significance (1 of 4 stars; one submission).

Conditions:
Hypertrophic cardiomyopathy 14. Identifiers: MedGen C2750467, MONDO:0013197, OMIM 613251.

Submission:

Labcorp Genetics (formerly Invitae), Labcorp
Classification: Uncertain significance for Hypertrophic cardiomyopathy 14. Last evaluated: 2025-06-29. Review status: criteria provided, single submitter. Criteria: Invitae Variant Classification Sherloc (09022015). Collection method: clinical testing. Allele origin: germline.
Comment: This sequence change replaces glutamine, which is neutral and polar, with lysine, which is basic and polar, at codon 1002 of the MYH6 protein (p.Gln1002Lys). This variant is not present in population databases (gnomAD no frequency). This variant has not been reported in the literature in individuals affected with MYH6-related conditions. Invitae Evidence Modeling of protein sequence and biophysical properties (such as structural, functional, and spatial information, amino acid conservation, physicochemical variation, residue mobility, and thermodynamic stability) indicates that this missense variant is expected to disrupt MYH6 protein function with a positive predictive value of 80%. In summary, the available evidence is currently insufficient to determine the role of this variant in disease. Therefore, it has been classified as a Variant of Uncertain Significance.

NM_002471.4(MYH6):c.3004C>A (p.Gln1002Lys)

Gene: MYH6 (myosin heavy chain 6; minus strand). Cytogenetic location: 14q11.2.
Variant type: single nucleotide variant.
Coding change: c.3004C>A on transcript NM_002471.4 (MANE Select); coding-DNA position 3004, C replaced by A.
Protein change: p.Gln1002Lys; replaces glutamine 1002 with lysine.
Molecular consequence: missense variant.
Genome position (GRCh38, 1-based): chr14:23,393,443, G>T on the plus strand (C>A on the coding strand, the complement: MYH6 is on the minus strand). VCF-style: chr14-23393443-G-T. GRCh37 (hg19) VCF-style: chr14-23862652-G-T.
Other names: short protein forms Q1002K.
Identifiers: ClinVar variation 4742789 (VCV004742789.1).
Genomic context (GRCh38, chr14:23,393,443, plus strand): 5'-GGCTGTTGACCTTGTCTTCCTCAACCTGAAGGTCATCCAGGGCCTGCTGATGGGCCTCTT[G>T]TAGAGCTTTCTTCTCCTTGGTCAGCTTAGCGATGATTTCATCCAGCCCAGCCATCTCCTC-3'
Protein context (NP_002462.2, residues 992-1012): AKLTKEKKAL[Gln1002Lys]EAHQQALDDL